The following is an entry in ClinVar:

NM_002474.3(MYH11):c.5789G>A (p.Arg1930Gln)

Genes: MYH11 (myosin heavy chain 11; minus strand), NDE1 (nudE neurodevelopment protein 1; plus strand). Cytogenetic location: 16p13.11.
Variant type: single nucleotide variant.
Coding change: c.5789G>A on transcript NM_002474.3 (MANE Select); coding-DNA position 5789, G replaced by A.
Protein change: p.Arg1930Gln; replaces arginine 1930 with glutamine.
Molecular consequence: missense variant. On other transcripts: 3 prime UTR variant (2), intron variant (2).
Genome position (GRCh38, 1-based): chr16:15,704,121, C>T on the plus strand (G>A on the coding strand, the complement: MYH11 is on the minus strand). VCF-style: chr16-15704121-C-T. GRCh37 (hg19) VCF-style: chr16-15797978-C-T.
Other names: c.*11G>A (NM_001040113.2, NM_022844.3); c.5810G>A, p.Arg1937Gln (NM_001040114.2); c.947+7261C>T (NM_001143979.2, NM_017668.3); short protein forms R1937Q, R1930Q.
Identifiers: ClinVar variation 928329 (VCV000928329.7), dbSNP rs769356338, ClinGen allele CA7921068.

ClinVar aggregate classification (germline): Uncertain significance. Review status: criteria provided, multiple submitters, no conflicts (2 of 4 stars). 3 submissions from 3 submitters: Uncertain significance (3). Last evaluated 2023-02-12.

Conditions:
Familial thoracic aortic aneurysm and aortic dissection (TAAD). Also called: Thoracic aortic aneurysms and dissections. Identifiers: Orphanet 91387, MedGen C4707243, MONDO:0019625.

Allele frequency attached by ClinVar (database versions not stated): TOPMed 0.00001; ExAC 0.00002; gnomAD exomes 0.00002.
gnomAD v4.1: 35 of 1,613,992 alleles (0.0022%); highest among the groups gnomAD compares: Non-Finnish European, 0.0028%; no homozygotes.

Submissions (3):

Ambry Genetics
Classification: Uncertain significance for Familial thoracic aortic aneurysm and aortic dissection. Last evaluated: 2023-02-12. Review status: criteria provided, single submitter. Criteria: Ambry Variant Classification Scheme 2023. Collection method: clinical testing. Allele origin: germline.
Comment: The p.R1930Q variant (also known as c.5789G>A), located in coding exon 40 of the MYH11 gene, results from a G to A substitution at nucleotide position 5789. The arginine at codon 1930 is replaced by glutamine, an amino acid with highly similar properties. This amino acid position is conserved. In addition, this alteration is predicted to be deleterious by in silico analysis. Since supporting evidence is limited at this time, the clinical significance of this alteration remains unclear.

GeneDx
Classification: Uncertain significance. Last evaluated: 2022-04-15. Review status: criteria provided, single submitter. Criteria: GeneDx Variant Classification Process June 2021. Collection method: clinical testing. Allele origin: germline. Affected: yes.
Comment: Has not been previously published as pathogenic or benign to our knowledge; Not observed at significant frequency in large population cohorts (gnomAD); In silico analysis supports that this missense variant does not alter protein structure/function

Color Diagnostics, LLC DBA Color Health
Classification: Uncertain significance for Familial thoracic aortic aneurysm and aortic dissection. Last evaluated: 2019-08-16. Review status: criteria provided, single submitter. Criteria: ACMG Guidelines, 2015. Collection method: clinical testing. Allele origin: germline.
Comment: This variant is located in the 3' untranslated region of the MYH11 gene. To our knowledge, functional assays have not been performed for this variant nor has this variant been reported in individuals affected with cardiovascular disorders in the literature. This variant has been identified in 4/246226 chromosomes in the general population by the Genome Aggregation Database (gnomAD). Available evidence is insufficient to determine the role of this variant in disease conclusively. Therefore, this variant is classified as a Variant of Uncertain Significance.